The following is an entry in ClinVar:

NM_020693.4(DSCAML1):c.2698G>T (p.Ala900Ser)

Gene: DSCAML1 (DS cell adhesion molecule like 1; minus strand). Cytogenetic location: 11q23.3.
Variant type: single nucleotide variant.
Coding change: c.2698G>T on transcript NM_020693.4 (MANE Select); coding-DNA position 2698, G replaced by T.
Protein change: p.Ala900Ser; replaces alanine 900 with serine.
Molecular consequence: missense variant.
Genome position (GRCh38, 1-based): chr11:117,480,530, C>A on the plus strand (G>T on the coding strand, the complement: DSCAML1 is on the minus strand). VCF-style: chr11-117480530-C-A. GRCh37 (hg19) VCF-style: chr11-117351245-C-A.
Other names: c.2698G>T, p.Ala900Ser (NM_001367904.1); short protein forms A900S.
Identifiers: ClinVar variation 1958734 (VCV001958734.5), dbSNP rs942382631, ClinGen allele CA229385781.

ClinVar aggregate classification (germline): Uncertain significance (1 of 4 stars; one submission).

Allele frequency attached by ClinVar (database versions not stated): TOPMed 0.00001.
gnomAD v4.1: 1 of 1,586,602 alleles (0.000063%); no homozygotes.

Submission:

Labcorp Genetics (formerly Invitae), Labcorp
Classification: Uncertain significance. Last evaluated: 2022-11-15. Review status: criteria provided, single submitter. Criteria: Invitae Variant Classification Sherloc (09022015). Collection method: clinical testing. Allele origin: germline.
Comment: In summary, the available evidence is currently insufficient to determine the role of this variant in disease. Therefore, it has been classified as a Variant of Uncertain Significance. Algorithms developed to predict the effect of missense changes on protein structure and function (SIFT, PolyPhen-2, Align-GVGD) all suggest that this variant is likely to be tolerated. This variant has not been reported in the literature in individuals affected with DSCAML1-related conditions. This variant is not present in population databases (gnomAD no frequency). This sequence change replaces alanine, which is neutral and non-polar, with serine, which is neutral and polar, at codon 960 of the DSCAML1 protein (p.Ala960Ser).